The following is an entry in ClinVar:

ClinVar aggregate classification (germline): Uncertain significance (1 of 4 stars; one submission).

Submission:

GeneDx
Classification: Uncertain significance. Last evaluated: 2024-06-01. Review status: criteria provided, single submitter. Criteria: GeneDx Variant Classification Process June 2021. Collection method: clinical testing. Allele origin: germline. Affected: yes.
Comment: Not observed at significant frequency in large population cohorts (gnomAD); In silico analysis indicates that this missense variant does not alter protein structure/function; Has not been previously published as pathogenic or benign to our knowledge

NM_001318852.2(MAPK8IP3):c.1867G>A (p.Gly623Ser)

Gene: MAPK8IP3 (mitogen-activated protein kinase 8 interacting protein 3; plus strand). Cytogenetic location: 16p13.3.
Variant type: single nucleotide variant.
Coding change: c.1867G>A on transcript NM_001318852.2 (MANE Select); coding-DNA position 1867, G replaced by A.
Protein change: p.Gly623Ser; replaces glycine 623 with serine.
Molecular consequence: missense variant.
Genome position (GRCh38, 1-based): chr16:1,762,975, G>A. VCF-style: chr16-1762975-G-A. GRCh37 (hg19) VCF-style: chr16-1812976-G-A.
Other names: c.1846G>A, p.Gly616Ser (NM_001040439.2); c.1864G>A, p.Gly622Ser (NM_015133.5); short protein forms G616S, G622S, G623S.
Identifiers: ClinVar variation 3383624 (VCV003383624.1).